The following is an entry in ClinVar:

NM_030632.3(ASXL3):c.2299C>T (p.Gln767Ter)

Gene: ASXL3 (ASXL transcriptional regulator 3; plus strand). Cytogenetic location: 18q12.1.
Variant type: single nucleotide variant.
Coding change: c.2299C>T on transcript NM_030632.3 (MANE Select); coding-DNA position 2299, C replaced by T.
Protein change: p.Gln767Ter; replaces glutamine 767 with a stop codon.
Molecular consequence: nonsense.
Genome position (GRCh38, 1-based): chr18:33,739,703, C>T. VCF-style: chr18-33739703-C-T. GRCh37 (hg19) VCF-style: chr18-31319667-C-T.
Other names: short protein forms Q767*.
Identifiers: ClinVar variation 4976652 (VCV004976652.1).

ClinVar aggregate classification (germline): Pathogenic (1 of 4 stars; one submission).

Submission:

GeneDx
Classification: Pathogenic. Last evaluated: 2026-03-16. Review status: criteria provided, single submitter. Criteria: GeneDx Variant Classification Process June 2021. Collection method: clinical testing. Allele origin: germline.
Comment: Nonsense variant predicted to result in protein truncation or nonsense mediated decay in a gene for which loss of function is a known mechanism of disease; Not observed at significant frequency in large population cohorts (gnomAD); Has not been previously published as pathogenic or benign to our knowledge